The following is an entry in ClinVar:

NM_017934.7(PHIP):c.2311G>A (p.Val771Ile)

Gene: PHIP (PHIP subunit of CUL4-Ring ligase complex; minus strand). Cytogenetic location: 6q14.1.
Variant type: single nucleotide variant.
Coding change: c.2311G>A on transcript NM_017934.7 (MANE Select); coding-DNA position 2311, G replaced by A.
Protein change: p.Val771Ile; replaces valine 771 with isoleucine.
Molecular consequence: missense variant.
Genome position (GRCh38, 1-based): chr6:78,990,876, C>T on the plus strand (G>A on the coding strand, the complement: PHIP is on the minus strand). VCF-style: chr6-78990876-C-T. GRCh37 (hg19) VCF-style: chr6-79700593-C-T.
Other names: c.2311G>A (NM_017934.6); short protein forms V771I.
Identifiers: ClinVar variation 1977259 (VCV001977259.6), dbSNP rs1187748805, ClinGen allele CA364627937.

ClinVar aggregate classification (germline): Uncertain significance. Review status: criteria provided, multiple submitters, no conflicts (2 of 4 stars). 2 submissions from 2 submitters: Uncertain significance (2). Last evaluated 2023-05-27.

Conditions:
PHIP-related disorder. Also called: PHIP-related disorders; PHIP-related condition.

Allele frequency attached by ClinVar (database versions not stated): gnomAD 0.00001; TOPMed 0.00001.
gnomAD v4.1: 33 of 1,543,516 alleles (0.0021%); highest among the groups gnomAD compares: Non-Finnish European, 0.0027%; no homozygotes.

Submissions (2):

Labcorp Genetics (formerly Invitae), Labcorp
Classification: Uncertain significance. Last evaluated: 2023-05-27. Review status: criteria provided, single submitter. Criteria: Invitae Variant Classification Sherloc (09022015). Collection method: clinical testing. Allele origin: germline.
Comment: This sequence change replaces valine, which is neutral and non-polar, with isoleucine, which is neutral and non-polar, at codon 771 of the PHIP protein (p.Val771Ile). This variant is present in population databases (no rsID available, gnomAD 0.002%). In summary, the available evidence is currently insufficient to determine the role of this variant in disease. Therefore, it has been classified as a Variant of Uncertain Significance. Advanced modeling of protein sequence and biophysical properties (such as structural, functional, and spatial information, amino acid conservation, physicochemical variation, residue mobility, and thermodynamic stability) performed at Invitae indicates that this missense variant is not expected to disrupt PHIP protein function. ClinVar contains an entry for this variant (Variation ID: 1977259). This variant has not been reported in the literature in individuals affected with PHIP-related conditions.

PreventionGenetics, part of Exact Sciences
Classification: Uncertain significance for PHIP-related condition. Last evaluated: 2022-11-17. Review status: criteria provided, single submitter. Criteria: ACMG Guidelines, 2015. Collection method: clinical testing. Allele origin: germline.
Comment: The PHIP c.2311G>A variant is predicted to result in the amino acid substitution p.Val771Ile. To our knowledge, this variant has not been reported in the literature. This variant is reported in 0.0018% of alleles in individuals of European (Non-Finnish) descent in gnomAD. At this time, the clinical significance of this variant is uncertain due to the absence of conclusive functional and genetic evidence.